The following is an entry in ClinVar:

ClinVar aggregate classification (germline): Pathogenic/Likely pathogenic. Review status: criteria provided, multiple submitters, no conflicts (2 of 4 stars). 2 submissions from 2 submitters: Pathogenic (1); Likely pathogenic (1). Last evaluated 2025-08-03.

Conditions:
Isolated thoracic aortic aneurysm.
Familial thoracic aortic aneurysm and aortic dissection (TAAD). Also called: Thoracic aortic aneurysms and dissections. Identifiers: Orphanet 91387, MedGen C4707243, MONDO:0019625.
Marfan syndrome (MFS). Also called: FBN1-Related Marfan Syndrome; Marfan syndrome type 1; Marfan's syndrome; Marfan syndrome, classic; MARFAN SYNDROME, TYPE I. Identifiers: Orphanet 284963, Orphanet 558, MedGen C0024796, MONDO:0007947, OMIM 154700.

Submissions (2):

Labcorp Genetics (formerly Invitae), Labcorp
Classification: Pathogenic for Marfan syndrome; Familial thoracic aortic aneurysm and aortic dissection. Last evaluated: 2025-08-03. Review status: criteria provided, single submitter. Criteria: Invitae Variant Classification Sherloc (09022015). Collection method: clinical testing. Allele origin: germline.
Comment: This sequence change replaces cysteine, which is neutral and slightly polar, with tryptophan, which is neutral and slightly polar, at codon 2131 of the FBN1 protein (p.Cys2131Trp). This variant is not present in population databases (gnomAD no frequency). This missense change has been observed in individual(s) with thoracic aortic aneurysm and/or dissection (PMID: 33824467). ClinVar contains an entry for this variant (Variation ID: 664437). Invitae Evidence Modeling of protein sequence and biophysical properties (such as structural, functional, and spatial information, amino acid conservation, physicochemical variation, residue mobility, and thermodynamic stability) indicates that this missense variant is expected to disrupt FBN1 protein function with a positive predictive value of 95%. This variant affects a cysteine residue in the EGF-like, TGFBP or hybrid motif domains of FBN1. Cysteine residues are believed to be involved in intramolecular disulfide bridges and have been shown to be important for FBN1 protein structure (PMID: 16905551, 19349279). In addition, missense substitutions affecting cysteine residues within these domains are significantly overrepresented among patients with Marfan syndrome (PMID: 16571647, 17701892). This variant disrupts the p.Cys2131 amino acid residue in FBN1. Other variant(s) that disrupt this residue have been observed in individuals with FBN1-related conditions (PMID: 25907466; internal data), which suggests that this may be a clinically significant amino acid residue. For these reasons, this variant has been classified as Pathogenic.

Department of Vascular Biology, Beijing Anzhen Hospital
Classification: Likely pathogenic for Isolated thoracic aortic aneurysm. Last evaluated: 2018-09-01. Review status: criteria provided, single submitter. Criteria: ACMG Guidelines, 2015. Collection method: research. Allele origin: germline. Affected: yes.

Literature cited by the submitters: PubMed 33824467 (cited by Labcorp Genetics (formerly Invitae), Labcorp); PubMed 16905551 (cited by Labcorp Genetics (formerly Invitae), Labcorp); PubMed 19349279 (cited by Labcorp Genetics (formerly Invitae), Labcorp); PubMed 16571647 (cited by Labcorp Genetics (formerly Invitae), Labcorp); PubMed 17701892 (cited by Labcorp Genetics (formerly Invitae), Labcorp); PubMed 25907466 (cited by Labcorp Genetics (formerly Invitae), Labcorp).

NM_000138.5(FBN1):c.6393C>G (p.Cys2131Trp)

Gene: FBN1 (fibrillin 1; minus strand). Cytogenetic location: 15q21.1.
Variant type: single nucleotide variant.
Coding change: c.6393C>G on transcript NM_000138.5 (MANE Select); coding-DNA position 6393, C replaced by G.
Protein change: p.Cys2131Trp; replaces cysteine 2131 with tryptophan.
Molecular consequence: missense variant.
Genome position (GRCh38, 1-based): chr15:48,437,064, G>C on the plus strand (C>G on the coding strand, the complement: FBN1 is on the minus strand). VCF-style: chr15-48437064-G-C. GRCh37 (hg19) VCF-style: chr15-48729261-G-C.
Other names: short protein forms C2131W.
Identifiers: ClinVar variation 664437 (VCV000664437.11), dbSNP rs61730051, ClinGen allele CA392336688.